The following is an entry in ClinVar:

NM_001114753.3(ENG):c.1236T>A (p.Cys412Ter)

Genes: ENG (endoglin; minus strand), LOC102723566 (uncharacterized LOC102723566; plus strand). Cytogenetic location: 9q34.11.
Variant type: single nucleotide variant.
Coding change: c.1236T>A on transcript NM_001114753.3 (MANE Select); coding-DNA position 1236, T replaced by A.
Protein change: p.Cys412Ter; replaces cysteine 412 with a stop codon.
Molecular consequence: nonsense.
Genome position (GRCh38, 1-based): chr9:127,819,936, A>T on the plus strand (T>A on the coding strand, the complement: ENG is on the minus strand). VCF-style: chr9-127819936-A-T. GRCh37 (hg19) VCF-style: chr9-130582215-A-T.
Other names: c.690T>A, p.Cys230Ter (NM_001278138.2); c.1236T>A, p.Cys412Ter (NM_000118.4); short protein forms C230*, C412*.
Identifiers: ClinVar variation 848437 (VCV000848437.9), dbSNP rs1830432773, ClinGen allele CA374978388.
Genomic context (GRCh38, chr9:127,819,936, plus strand): 5'-TACCTTTTTGGCCCCAGCTCTTACCTCATTGCTGATCATACTTGCTGACACCTGCATGCC[A>T]CAGCTGGAGTAAGCACTGCGCAAGACAAACTTGTCACCCCTGTCCTCTGCCTCACAGCTG-3'

ClinVar aggregate classification (germline): Pathogenic (1 of 4 stars; one submission).

Conditions:
Hereditary hemorrhagic telangiectasia (HHT). Also called: ORW DISEASE; Osler Weber Rendu syndrome; OSLER-RENDU-WEBER DISEASE; Osler hemorrhagic telangiectasia syndrome. Identifiers: Orphanet 774, MedGen C0039445, MONDO:0019180. Disease mechanism: loss of function.

Submission:

Labcorp Genetics (formerly Invitae), Labcorp
Classification: Pathogenic for Hereditary hemorrhagic telangiectasia. Last evaluated: 2019-12-11. Review status: criteria provided, single submitter. Criteria: Invitae Variant Classification Sherloc (09022015). Collection method: clinical testing. Allele origin: germline.
Comment: This variant is not present in population databases (ExAC no frequency). For these reasons, this variant has been classified as Pathogenic. Loss-of-function variants in ENG are known to be pathogenic (PMID: 15879500, 20656886, 22385575). This variant has not been reported in the literature in individuals with ENG-related conditions. This sequence change creates a premature translational stop signal (p.Cys412*) in the ENG gene. It is expected to result in an absent or disrupted protein product.

Literature cited by the submitters: PubMed 15879500; PubMed 20656886; PubMed 22385575.